The following is an entry in ClinVar:

ClinVar aggregate classification (germline): Pathogenic (1 of 4 stars; one submission).

Conditions:
Primary ciliary dyskinesia 32. Also called: CILIARY DYSKINESIA, PRIMARY, 32, WITHOUT SITUS INVERSUS. Identifiers: Orphanet 244, MedGen C4225311, MONDO:0014657, OMIM 616481.

Submission:

Labcorp Genetics (formerly Invitae), Labcorp
Classification: Pathogenic for Primary ciliary dyskinesia 32. Last evaluated: 2024-01-19. Review status: criteria provided, single submitter. Criteria: Invitae Variant Classification Sherloc (09022015). Collection method: clinical testing. Allele origin: germline.
Comment: This variant is a gross deletion of the genomic region encompassing exon(s) 1 of the RSPH3 gene, which includes the initiator codon. This deletion extends beyond the assayed region for this gene and therefore may encompass additional genes. It is expected to result in an absent or disrupted protein product. Loss-of-function variants in RSPH3 are known to be pathogenic (PMID: 26073779). This variant has not been reported in the literature in individuals affected with RSPH3-related conditions. For these reasons, this variant has been classified as Pathogenic.

Literature cited by the submitters: PubMed 26073779.

NC_000006.11:g.(?_159420447)_(159421008_?)del

Gene: RSPH3 (radial spoke head 3; minus strand). Cytogenetic location: 6q25.3.
Variant type: Deletion.
Identifiers: ClinVar variation 1375407 (VCV001375407.5).